The following is an entry in ClinVar:

ClinVar aggregate classification (germline): Likely pathogenic. Review status: criteria provided, single submitter (1 of 4 stars). 2 submissions from 2 submitters: Likely pathogenic (1). 1 of the submissions does not count toward it. Last evaluated 2025-10-06.

Conditions:
Ornithine aminotransferase deficiency (GACR). Also called: OAT DEFICIENCY; Ornithine ketoacid aminotransferase deficiency; Gyrate atrophy; Gyrate atrophy of choroid and retina; Girate atrophy of the retina; HYPERORNITHINEMIA WITH GYRATE ATROPHY OF CHOROID AND RETINA. Identifiers: Orphanet 414, MedGen C0018425, MONDO:0009796, OMIM 258870.

Submissions (2):

Natera, Inc.
Classification: Likely pathogenic for Gyrate atrophy. Last evaluated: 2025-10-06. Review status: criteria provided, single submitter. Criteria: Natera Variant Classification Schema (03/2026). Collection method: clinical testing. Allele origin: germline.
Comment: The c.278G>T variant in OAT is a missense variant predicted to cause substitution of cysteine to phenylalanine at amino acid 93. This variant is rare in the general population with a frequency below the threshold expected for the associated phenotype(s). This variant has been observed in one or more individuals affected with the associated recessive disease, as either homozygous or compound heterozygous with a second variant (PMID: 1755734). Additionally, this variant has been observed to segregate in affected family members (PMID: 1755734). This variant has been identified in one or more affected individual with a phenotype highly consistent with the associated gene (PMID: 1755734). Computational prediction algorithms indicate this variant is likely to affect gene or protein function. Given the available evidence, this variant is classified as Likely Pathogenic.

OMIM
Classification: Pathogenic for GYRATE ATROPHY OF CHOROID AND RETINA. Last evaluated: 1992-02-15. Review status: no assertion criteria provided. Collection method: literature only. Allele origin: germline. Not counted in ClinVar's aggregate classification.

Literature cited by the submitters: PubMed 1755734 (cited by Natera, Inc.); PubMed 1737786 (cited by OMIM).

NM_000274.4(OAT):c.278G>T (p.Cys93Phe)

Gene: OAT (ornithine aminotransferase; minus strand). Cytogenetic location: 10q26.13.
Variant type: single nucleotide variant.
Coding change: c.278G>T on transcript NM_000274.4 (MANE Select); coding-DNA position 278, G replaced by T.
Protein change: p.Cys93Phe; replaces cysteine 93 with phenylalanine.
Molecular consequence: missense variant. On other transcripts: 5 prime UTR variant (2), intron variant (1).
Genome position (GRCh38, 1-based): chr10:124,408,887, C>A on the plus strand (G>T on the coding strand, the complement: OAT is on the minus strand). VCF-style: chr10-124408887-C-A. GRCh37 (hg19) VCF-style: chr10-126097456-C-A.
Other names: c.-137G>T (NM_001171814.2); c.278G>T, p.Cys93Phe (NM_001322965.2, NM_001322966.2, NM_001322967.2 and 3 more transcripts); c.-437G>T (NM_001322974.2); c.199+3086G>T (NM_001322971.2); c.278G>T (NM_000274.3); short protein forms C93F.
Identifiers: ClinVar variation 151 (VCV000000151.2), dbSNP rs121965038, ClinGen allele CA113926.